The following is an entry in ClinVar:

ClinVar aggregate classification (germline): Uncertain significance (1 of 4 stars; one submission).

Allele frequency attached by ClinVar (database versions not stated): ExAC 0.00001; gnomAD 0.00001; gnomAD exomes 0.00001.
gnomAD v4.1: 10 of 1,613,926 alleles (0.00062%); highest among the groups gnomAD compares: Middle Eastern, 0.016%; no homozygotes.

Submission:

Labcorp Genetics (formerly Invitae), Labcorp
Classification: Uncertain significance. Last evaluated: 2022-03-18. Review status: criteria provided, single submitter. Criteria: Invitae Variant Classification Sherloc (09022015). Collection method: clinical testing. Allele origin: germline.
Comment: In summary, the available evidence is currently insufficient to determine the role of this variant in disease. Therefore, it has been classified as a Variant of Uncertain Significance. Algorithms developed to predict the effect of missense changes on protein structure and function are either unavailable or do not agree on the potential impact of this missense change (SIFT: "Tolerated"; PolyPhen-2: "Possibly Damaging"; Align-GVGD: "Class C0"). This variant has not been reported in the literature in individuals affected with GPAA1-related conditions. This variant is present in population databases (rs782133364, gnomAD 0.006%). This sequence change replaces leucine, which is neutral and non-polar, with phenylalanine, which is neutral and non-polar, at codon 189 of the GPAA1 protein (p.Leu189Phe).

NM_003801.4(GPAA1):c.565C>T (p.Leu189Phe)

Gene: GPAA1 (glycosylphosphatidylinositol anchor attachment 1; plus strand). Cytogenetic location: 8q24.3.
Variant type: single nucleotide variant.
Coding change: c.565C>T on transcript NM_003801.4 (MANE Select); coding-DNA position 565, C replaced by T.
Protein change: p.Leu189Phe; replaces leucine 189 with phenylalanine.
Molecular consequence: missense variant.
Genome position (GRCh38, 1-based): chr8:144,083,989, C>T. VCF-style: chr8-144083989-C-T. GRCh37 (hg19) VCF-style: chr8-145138892-C-T.
Other names: short protein forms L189F.
Identifiers: ClinVar variation 1936137 (VCV001936137.5), dbSNP rs782133364, ClinGen allele CA4932860.
Genomic context (GRCh38, chr8:144,083,989, plus strand): 5'-TGGCCTCCAGGGCAGATTTATTGGGCCAAAGATATCGTCTTCCTGGTAACAGAACATGAC[C>T]TTCTGGGCACTGAGGCTTGGCTTGAAGCCTACCACGATGTCAATGTCACTGGTAGGTTCT-3'
Protein context (NP_003792.1, residues 179-199): DIVFLVTEHD[Leu189Phe]LGTEAWLEAY